The following is an entry in ClinVar:

ClinVar aggregate classification (germline): Uncertain significance (1 of 4 stars; one submission).

gnomAD v4.1: 84 of 1,614,048 alleles (0.0052%); highest among the groups gnomAD compares: African/African-American, 0.069%; no homozygotes.

Submission:

Labcorp Genetics (formerly Invitae), Labcorp
Classification: Uncertain significance. Last evaluated: 2025-07-11. Review status: criteria provided, single submitter. Criteria: Invitae Variant Classification Sherloc (09022015). Collection method: clinical testing. Allele origin: germline.
Comment: This sequence change replaces arginine, which is basic and polar, with histidine, which is basic and polar, at codon 45 of the ERCC5 protein (p.Arg45His). This variant is present in population databases (rs140917545, gnomAD 0.08%). This variant has not been reported in the literature in individuals affected with ERCC5-related conditions. An algorithm developed to predict the effect of missense changes on protein structure and function outputs the following: PolyPhen-2: "Benign". The histidine amino acid residue is found in multiple mammalian species, which suggests that this missense change does not adversely affect protein function. In summary, the available evidence is currently insufficient to determine the role of this variant in disease. Therefore, it has been classified as a Variant of Uncertain Significance.

NM_000123.4(ERCC5):c.134G>A (p.Arg45His)

Genes: BIVM-ERCC5 (BIVM-ERCC5 readthrough; plus strand), ERCC5 (ERCC excision repair 5, endonuclease; plus strand). Cytogenetic location: 13q33.1.
Variant type: single nucleotide variant.
Coding change: c.134G>A on transcript NM_000123.4 (MANE Select); coding-DNA position 134, G replaced by A.
Protein change: p.Arg45His; replaces arginine 45 with histidine.
Molecular consequence: missense variant.
Genome position (GRCh38, 1-based): chr13:102,852,163, G>A. VCF-style: chr13-102852163-G-A. GRCh37 (hg19) VCF-style: chr13-103504513-G-A.
Other names: c.1496G>A, p.Arg499His (NM_001204425.2); short protein forms R45H, R499H.
Identifiers: ClinVar variation 4804980 (VCV004804980.1).